The following is an entry in ClinVar:

ClinVar aggregate classification (germline): Uncertain significance (1 of 4 stars; one submission).

Allele frequency attached by ClinVar (database versions not stated): gnomAD exomes below 0.00001.
gnomAD v4.1: 2 of 1,610,576 alleles (0.00012%); highest among the groups gnomAD compares: Non-Finnish European, 0.000085%; no homozygotes.

Submission:

Labcorp Genetics (formerly Invitae), Labcorp
Classification: Uncertain significance. Last evaluated: 2023-01-13. Review status: criteria provided, single submitter. Criteria: Invitae Variant Classification Sherloc (09022015). Collection method: clinical testing. Allele origin: germline.
Comment: The frequency data for this variant in the population databases is considered unreliable, as metrics indicate poor data quality at this position in the gnomAD database. In summary, the available evidence is currently insufficient to determine the role of this variant in disease. Therefore, it has been classified as a Variant of Uncertain Significance. Algorithms developed to predict the effect of missense changes on protein structure and function (SIFT, PolyPhen-2, Align-GVGD) all suggest that this variant is likely to be tolerated. This variant has not been reported in the literature in individuals affected with AP3D1-related conditions. This sequence change replaces glutamine, which is neutral and polar, with leucine, which is neutral and non-polar, at codon 956 of the AP3D1 protein (p.Gln956Leu).

NM_001261826.3(AP3D1):c.2867A>T (p.Gln956Leu)

Gene: AP3D1 (adaptor related protein complex 3 subunit delta 1; minus strand). Cytogenetic location: 19p13.3.
Variant type: single nucleotide variant.
Coding change: c.2867A>T on transcript NM_001261826.3 (MANE Select); coding-DNA position 2867, A replaced by T.
Protein change: p.Gln956Leu; replaces glutamine 956 with leucine.
Molecular consequence: missense variant.
Genome position (GRCh38, 1-based): chr19:2,111,749, T>A on the plus strand (A>T on the coding strand, the complement: AP3D1 is on the minus strand). VCF-style: chr19-2111749-T-A. GRCh37 (hg19) VCF-style: chr19-2111748-T-A.
Other names: c.2831A>T, p.Gln944Leu (NM_001374799.1); c.2681A>T, p.Gln894Leu (NM_003938.8); short protein forms Q894L, Q944L, Q956L.
Identifiers: ClinVar variation 2828167 (VCV002828167.3), dbSNP rs1446025398, ClinGen allele CA403204090.